The following is an entry in ClinVar:

NM_153006.3(NAGS):c.1268+11G>A

Gene: NAGS (N-acetylglutamate synthase; plus strand). Cytogenetic location: 17q21.31.
Variant type: single nucleotide variant.
Coding change: c.1268+11G>A on transcript NM_153006.3 (MANE Select); 11 bases into the intron after coding-DNA position 1268, G replaced by A.
Molecular consequence: intron variant.
Genome position (GRCh38, 1-based): chr17:44,007,505, G>A. VCF-style: chr17-44007505-G-A. GRCh37 (hg19) VCF-style: chr17-42084873-G-A.
Identifiers: ClinVar variation 323448 (VCV000323448.18), dbSNP rs201629145, ClinGen allele CA8595352.
Genomic context (GRCh38, chr17:44,007,505, plus strand): 5'-TACCTGGCCTCGCTGCGCCCGCGGCTGCACTCCATCTACGTCTCCGAGGGGTAAGCCTGC[G>A]GACCCCAGAGGGCGGGGTCTGGGGGGCAGTCGGGCAGCTTCGGACCAAGGAGAGGTCCCA-3'

ClinVar aggregate classification (germline): Benign/Likely benign. Review status: criteria provided, multiple submitters, no conflicts (2 of 4 stars). 5 submissions from 5 submitters: Benign (1); Likely benign (3). 1 of the submissions does not count toward it. Last evaluated 2026-02-02.

Conditions:
NAGS-related disorder. Also called: NAGS-related condition.
Hyperammonemia, type III (NAGSD). Also called: Hyperammonemia due to N-acetylglutamate synthase deficiency. Identifiers: Orphanet 927, MedGen C0268543, MONDO:0009377, OMIM 237310.

Allele frequency attached by ClinVar (database versions not stated): 1000 Genomes Project 30x 0.00062; 1000 Genomes Project 0.00080; gnomAD exomes 0.00167; ExAC 0.00171; TOPMed 0.00179; gnomAD 0.00182 and 0.00183; ESP Exome Variant Server 0.00194.

Submissions (5):

Labcorp Genetics (formerly Invitae), Labcorp
Classification: Benign for Hyperammonemia, type III. Last evaluated: 2026-02-02. Review status: criteria provided, single submitter. Criteria: Invitae Variant Classification Sherloc (09022015). Collection method: clinical testing. Allele origin: germline.

Blueprint Genetics
Classification: Likely benign. Last evaluated: 2024-11-19. Review status: criteria provided, single submitter. Criteria: ACMG Guidelines, 2015. Collection method: clinical testing. Allele origin: germline.

GeneDx
Classification: Likely benign. Last evaluated: 2018-05-25. Review status: criteria provided, single submitter. Criteria: GeneDx Variant Classification Process June 2021. Collection method: clinical testing. Allele origin: germline. Affected: yes.

Illumina Laboratory Services, Illumina
Classification: Likely benign for Hyperammonemia, type III. Last evaluated: 2018-01-12. Review status: criteria provided, single submitter. Criteria: ICSL Variant Classification Criteria 13 December 2019. Collection method: clinical testing. Allele origin: germline.
Comment: This variant was observed in the ICSL laboratory as part of a predisposition screen in an ostensibly healthy population. It had not been previously curated by ICSL or reported in the Human Gene Mutation Database (HGMD: prior to June 1st, 2018), and was therefore a candidate for classification through an automated scoring system. Utilizing variant allele frequency, disease prevalence and penetrance estimates, and inheritance mode, an automated score was calculated to assess if this variant is too frequent to cause the disease. Based on the score and internal cut-off values, a variant classified as likely benign is not then subjected to further curation. The score for this variant resulted in a classification of likely benign for this disease.

PreventionGenetics, part of Exact Sciences
Classification: Likely benign for NAGS-related condition. Last evaluated: 2023-03-06. Review status: no assertion criteria provided. Collection method: clinical testing. Allele origin: germline. Not counted in ClinVar's aggregate classification.
Comment: This variant is classified as likely benign based on ACMG/AMP sequence variant interpretation guidelines (Richards et al. 2015 PMID: 25741868, with internal and published modifications).